The following is an entry in ClinVar:

ClinVar aggregate classification (germline): Uncertain significance (1 of 4 stars; one submission).

Conditions:
LAS1L-related disorder. Also called: LAS1L-related condition.

Submission:

PreventionGenetics, part of Exact Sciences
Classification: Uncertain significance for LAS1L-related condition. Last evaluated: 2025-06-13. Review status: criteria provided, single submitter. Criteria: ACMG Guidelines, 2015. Collection method: clinical testing. Allele origin: germline.
Comment: The LAS1L c.2110G>A variant is predicted to result in the amino acid substitution p.Gly704Ser. To our knowledge, this variant has not been reported in the literature or in a large population database (gnomAD), indicating this variant is rare. At this time, the clinical significance of this variant is uncertain due to the absence of conclusive functional and genetic evidence.

NM_031206.7(LAS1L):c.2110G>A (p.Gly704Ser)

Gene: LAS1L (LAS1 like ribosome biogenesis factor; minus strand). Cytogenetic location: Xq12.
Variant type: single nucleotide variant.
Coding change: c.2110G>A on transcript NM_031206.7 (MANE Select); coding-DNA position 2110, G replaced by A.
Protein change: p.Gly704Ser; replaces glycine 704 with serine.
Molecular consequence: missense variant. On other transcripts: non-coding transcript variant (3).
Genome position (GRCh38, 1-based): chrX:65,512,870, C>T on the plus strand (G>A on the coding strand, the complement: LAS1L is on the minus strand). VCF-style: chrX-65512870-C-T. GRCh37 (hg19) VCF-style: chrX-64732750-C-T.
Other names: c.2059G>A, p.Gly687Ser (NM_001170649.2); c.1933G>A, p.Gly645Ser (NM_001170650.2); c.2107G>A, p.Gly703Ser (NM_001375328.1); c.1153G>A, p.Gly385Ser (NM_001375332.1); c.2056G>A, p.Gly686Ser (NM_001375333.1); short protein forms G385S, G645S, G703S, G686S, G687S, G704S.
Identifiers: ClinVar variation 4997047 (VCV004997047.1).